The following is an entry in ClinVar:

ClinVar aggregate classification (germline): Uncertain significance (1 of 4 stars; one submission).

Conditions:
Polyglucosan body myopathy type 2. Identifiers: Orphanet 456369, MedGen C4015452, MONDO:0014526, OMIM 616199.
Glycogen storage disease XV (GSD15). Also called: GLYCOGENIN DEFICIENCY; GSD XV. Identifiers: Orphanet 263297, MedGen C3150754, MONDO:0013291, OMIM 613507.

Submission:

Labcorp Genetics (formerly Invitae), Labcorp
Classification: Uncertain significance for Polyglucosan body myopathy type 2; Glycogen storage disease XV. Last evaluated: 2022-03-27. Review status: criteria provided, single submitter. Criteria: Invitae Variant Classification Sherloc (09022015). Collection method: clinical testing. Allele origin: germline.
Comment: In summary, the available evidence is currently insufficient to determine the role of this variant in disease. Therefore, it has been classified as a Variant of Uncertain Significance. Algorithms developed to predict the effect of missense changes on protein structure and function are either unavailable or do not agree on the potential impact of this missense change (SIFT: "Tolerated"; PolyPhen-2: "Possibly Damaging"; Align-GVGD: "Class C0"). This variant has not been reported in the literature in individuals affected with GYG1-related conditions. This variant is not present in population databases (gnomAD no frequency). This sequence change replaces valine, which is neutral and non-polar, with phenylalanine, which is neutral and non-polar, at codon 54 of the GYG1 protein (p.Val54Phe).

NM_004130.4(GYG1):c.160G>T (p.Val54Phe)

Gene: GYG1 (glycogenin 1; plus strand). Cytogenetic location: 3q24.
Variant type: single nucleotide variant.
Coding change: c.160G>T on transcript NM_004130.4 (MANE Select); coding-DNA position 160, G replaced by T.
Protein change: p.Val54Phe; replaces valine 54 with phenylalanine.
Molecular consequence: missense variant.
Genome position (GRCh38, 1-based): chr3:148,996,318, G>T. VCF-style: chr3-148996318-G-T. GRCh37 (hg19) VCF-style: chr3-148714105-G-T.
Other names: c.160G>T, p.Val54Phe (NM_001184720.2, NM_001184721.2); short protein forms V54F.
Identifiers: ClinVar variation 1977751 (VCV001977751.5), dbSNP rs2472709209, ClinGen allele CA354911202.
Genomic context (GRCh38, chr3:148,996,318, plus strand): 5'-CTGAAAAGATGCTAAGTGTGGTATTCTGGATTTTATTTTGACAGAAAAGTTTTAGAGACA[G>T]TCTTTGATGAAGTCATCATGGTAGATGTCTTGGACAGTGGCGATTCTGCTCATCTAACCT-3'
Protein context (NP_004121.2, residues 44-64): SDSMRKVLET[Val54Phe]FDEVIMVDVL